The following is an entry in ClinVar:

NM_153676.4(USH1C):c.263del (p.Val88fs)

Gene: USH1C (USH1 protein network component harmonin; minus strand). Cytogenetic location: 11p15.1.
Variant type: Deletion.
Coding change: c.263del on transcript NM_153676.4 (MANE Select); coding-DNA position 263, one base deleted (T; older notation c.263delT).
Protein change: p.Val88fs; shifts the reading frame from valine 88.
Molecular consequence: frameshift variant. On other transcripts: non-coding transcript variant (1).
Genome position (GRCh38, 1-based): chr11:17,531,278, A deleted on the plus strand (T on the coding strand, the reverse complement: USH1C is on the minus strand). VCF-style (leftmost placement, unchanged base first): chr11-17531277-CA-C. GRCh37 (hg19) VCF-style: chr11-17552824-CA-C.
Other names: c.263del, p.Val88fs (NM_001297764.2, NM_005709.4); short protein forms V88fs.
Identifiers: ClinVar variation 813102 (VCV000813102.21), dbSNP rs1850961650, ClinGen allele CA1139661839.

ClinVar aggregate classification (germline): Pathogenic. Review status: criteria provided, multiple submitters, no conflicts (2 of 4 stars). 2 submissions from 2 submitters: Pathogenic (2). Last evaluated 2024-04-01.

Conditions:
Usher syndrome type 2. Also called: Usher Syndrome Type II. Identifiers: Orphanet 231178, MedGen C0339534, MONDO:0016484.

Allele frequency attached by ClinVar (database versions not stated): gnomAD exomes below 0.00001.

Submissions (2):

CeGaT Center for Human Genetics Tuebingen
Classification: Pathogenic. Last evaluated: 2024-04-01. Review status: criteria provided, single submitter. Criteria: CeGaT Center For Human Genetics Tuebingen Variant Classification Criteria Version 2. Collection method: clinical testing. Allele origin: germline. Affected: yes. Observed: 1 variant allele.
Comment: USH1C: PVS1, PM2, PS4:Supporting

Molecular Genetics Laboratory, Institute for Ophthalmic Research
Classification: Pathogenic for Usher syndrome type 2. Last evaluated: 2020-01-09. Review status: criteria provided, single submitter. Criteria: ACMG Guidelines, 2015. Collection method: research. Allele origin: germline. Affected: yes.